The following is an entry in ClinVar:

ClinVar aggregate classification (germline): Uncertain significance. Review status: criteria provided, multiple submitters, no conflicts (2 of 4 stars). 2 submissions from 2 submitters: Uncertain significance (2). Last evaluated 2023-12-09.

Conditions:
Mucolipidosis type II. Also called: Mucolipidosis 2; ML 2; Inclusion cell disease; Leroy Disease; N-acetylglucosamine 1phosphotransferase deficiency; ML disorder type 2. Identifiers: Orphanet 576, MedGen C2673377, MONDO:0009650, OMIM 252500.
Pseudo-Hurler polydystrophy. Also called: ML IIIA; Mucolipidosis III Alpha/Beta; MUCOLIPIDOSIS IIIA; ML III; ML III ALPHA/BETA; Type III Mucolipidosis. Identifiers: Orphanet 423461, Orphanet 577, MedGen C0033788, MONDO:0018931, OMIM 252600.
Inborn genetic diseases. Identifiers: MedGen C0950123, MeSH D030342.

Allele frequency attached by ClinVar (database versions not stated): TOPMed 0.00001; ExAC 0.00002.
gnomAD v4.1: 6 of 1,614,110 alleles (0.00037%); highest among the groups gnomAD compares: Admixed American, 0.0083%; no homozygotes.

Submissions (2):

Ambry Genetics
Classification: Uncertain significance for Inborn genetic diseases. Last evaluated: 2023-12-09. Review status: criteria provided, single submitter. Criteria: Ambry Variant Classification Scheme 2023. Collection method: clinical testing. Allele origin: germline.

Labcorp Genetics (formerly Invitae), Labcorp
Classification: Uncertain significance for Pseudo-Hurler polydystrophy; Mucolipidosis type II. Last evaluated: 2021-09-17. Review status: criteria provided, single submitter. Criteria: Invitae Variant Classification Sherloc (09022015). Collection method: clinical testing. Allele origin: germline.
Comment: This sequence change replaces arginine with cysteine at codon 674 of the GNPTAB protein (p.Arg674Cys). The arginine residue is highly conserved and there is a large physicochemical difference between arginine and cysteine. This variant is present in population databases (rs761739718, ExAC 0.02%). This variant has not been reported in the literature in individuals with GNPTAB-related conditions. Algorithms developed to predict the effect of missense changes on protein structure and function are either unavailable or do not agree on the potential impact of this missense change (SIFT: "Deleterious"; PolyPhen-2: "Probably Damaging"; Align-GVGD: "Class C0"). In summary, the available evidence is currently insufficient to determine the role of this variant in disease. Therefore, it has been classified as a Variant of Uncertain Significance.

NM_024312.5(GNPTAB):c.2020C>T (p.Arg674Cys)

Gene: GNPTAB (N-acetylglucosamine-1-phosphate transferase subunits alpha and beta; minus strand). Cytogenetic location: 12q23.2.
Variant type: single nucleotide variant.
Coding change: c.2020C>T on transcript NM_024312.5 (MANE Select); coding-DNA position 2020, C replaced by T.
Protein change: p.Arg674Cys; replaces arginine 674 with cysteine.
Molecular consequence: missense variant.
Genome position (GRCh38, 1-based): chr12:101,764,897, G>A on the plus strand (C>T on the coding strand, the complement: GNPTAB is on the minus strand). VCF-style: chr12-101764897-G-A. GRCh37 (hg19) VCF-style: chr12-102158675-G-A.
Other names: c.2020C>T (NM_024312.4); short protein forms R674C.
Identifiers: ClinVar variation 2168020 (VCV002168020.2), dbSNP rs761739718, ClinGen allele CA6746487.